The following is an entry in ClinVar:

ClinVar aggregate classification (germline): Conflicting classifications of pathogenicity. Review status: criteria provided, conflicting classifications (1 of 4 stars). 3 submissions from 3 submitters: Uncertain significance (2); Benign (1). Last evaluated 2025-03-14.

Conditions:
Adams-Oliver syndrome 5 (AOS5). Identifiers: Orphanet 974, MedGen C4014970, MONDO:0014459, OMIM 616028.
Familial thoracic aortic aneurysm and aortic dissection (TAAD). Also called: Thoracic aortic aneurysms and dissections. Identifiers: Orphanet 91387, MedGen C4707243, MONDO:0019625.

gnomAD v4.1: 2 of 1,572,250 alleles (0.00013%); highest among the groups gnomAD compares: Admixed American, 0.0037%; no homozygotes.

Submissions (3):

Labcorp Genetics (formerly Invitae), Labcorp
Classification: Benign for Adams-Oliver syndrome 5. Last evaluated: 2025-03-14. Review status: criteria provided, single submitter. Criteria: Invitae Variant Classification Sherloc (09022015). Collection method: clinical testing. Allele origin: germline.

Ambry Genetics
Classification: Uncertain significance for Familial thoracic aortic aneurysm and aortic dissection. Last evaluated: 2022-09-26. Review status: criteria provided, single submitter. Criteria: Ambry Variant Classification Scheme 2023. Collection method: clinical testing. Allele origin: germline.
Comment: The p.D573E variant (also known as c.1719C>A), located in coding exon 11 of the NOTCH1 gene, results from a C to A substitution at nucleotide position 1719. The aspartic acid at codon 573 is replaced by glutamic acid, an amino acid with highly similar properties. This amino acid position is conserved. In addition, this alteration is predicted to be tolerated by in silico analysis. Since supporting evidence is limited at this time, the clinical significance of this alteration remains unclear.

GeneDx
Classification: Uncertain significance. Last evaluated: 2019-04-11. Review status: criteria provided, single submitter. Criteria: GeneDx Variant Classification Process June 2021. Collection method: clinical testing. Allele origin: germline. Affected: yes.
Comment: Has not been previously published as pathogenic or benign to our knowledge

NM_017617.5(NOTCH1):c.1719C>A (p.Asp573Glu)

Gene: NOTCH1 (notch receptor 1; minus strand). Cytogenetic location: 9q34.3.
Variant type: single nucleotide variant.
Coding change: c.1719C>A on transcript NM_017617.5 (MANE Select); coding-DNA position 1719, C replaced by A.
Protein change: p.Asp573Glu; replaces aspartic acid 573 with glutamic acid.
Molecular consequence: missense variant.
Genome position (GRCh38, 1-based): chr9:136,515,667, G>T on the plus strand (C>A on the coding strand, the complement: NOTCH1 is on the minus strand). VCF-style: chr9-136515667-G-T. GRCh37 (hg19) VCF-style: chr9-139410119-G-T.
Other names: short protein forms D573E.
Identifiers: ClinVar variation 1304591 (VCV001304591.6), dbSNP rs1002136018, ClinGen allele CA201587095.